The following is an entry in ClinVar:

NM_005422.4(TECTA):c.1203+3G>A

Genes: TBCEL-TECTA (TBCEL-TECTA readthrough; plus strand), TECTA (tectorin alpha; plus strand). Cytogenetic location: 11q23.3.
Variant type: single nucleotide variant.
Coding change: c.1203+3G>A on transcript NM_005422.4 (MANE Select); 3 bases into the intron after coding-DNA position 1203, G replaced by A.
Molecular consequence: intron variant.
Genome position (GRCh38, 1-based): chr11:121,118,721, G>A. VCF-style: chr11-121118721-G-A. GRCh37 (hg19) VCF-style: chr11-120989430-G-A.
Other names: c.2160+3G>A (NM_001378761.1).
Identifiers: ClinVar variation 667332 (VCV000667332.4), dbSNP rs774205473, ClinGen allele CA6326690.

ClinVar aggregate classification (germline): Uncertain significance (1 of 4 stars; one submission).

Allele frequency attached by ClinVar (database versions not stated): gnomAD exomes below 0.00001 and 0.00002; TOPMed below 0.00001; ExAC 0.00002; gnomAD 0.00003.
gnomAD v4.1: 7 of 1,613,416 alleles (0.00043%); highest among the groups gnomAD compares: Admixed American, 0.0033%; no homozygotes.

Submission:

Laboratory for Molecular Medicine, Mass General Brigham Personalized Medicine
Classification: Uncertain significance. Last evaluated: 2018-10-10. Review status: criteria provided, single submitter. Criteria: LMM Criteria. Collection method: clinical testing. Allele origin: germline. Observed: 1 variant allele.
Comment: The c.1203+3G>A variant in TECTA has not been previously reported in individuals with hearing loss, but has been identified in 3/34406 Latino chromosomes by gno mAD. This variant is located in the 5' splice region. Computational tools do not suggest an impact to splicing, though this i nformation is not predictive enough to rule out pathogenicity. In summary, the clinical significance of this variant is uncertain. ACMG/AMP Criteria applied: P M2, BP4.